The following is an entry in ClinVar:

ClinVar aggregate classification (germline): Uncertain significance. Review status: criteria provided, multiple submitters, no conflicts (2 of 4 stars). 2 submissions from 2 submitters: Uncertain significance (2). Last evaluated 2025-12-02.

Conditions:
Inborn genetic diseases. Identifiers: MedGen C0950123, MeSH D030342.
GRIP1-related disorder. Also called: GRIP1-related condition.

Allele frequency attached by ClinVar (database versions not stated): gnomAD 0.00001; TOPMed 0.00001; gnomAD exomes 0.00002; ExAC 0.00005.
gnomAD v4.1: 31 of 1,612,974 alleles (0.0019%); highest among the groups gnomAD compares: Non-Finnish European, 0.0025%; no homozygotes.

Submissions (2):

Ambry Genetics
Classification: Uncertain significance for Inborn genetic diseases. Last evaluated: 2025-12-02. Review status: criteria provided, single submitter. Criteria: Ambry Variant Classification Scheme 2023. Collection method: clinical testing. Allele origin: germline.

PreventionGenetics, part of Exact Sciences
Classification: Uncertain significance for GRIP1-related condition. Last evaluated: 2024-12-02. Review status: criteria provided, single submitter. Criteria: ACMG Guidelines, 2015. Collection method: clinical testing. Allele origin: germline.
Comment: The GRIP1 c.2664G>T variant is predicted to result in the amino acid substitution p.Glu888Asp. To our knowledge, this variant has not been reported in the literature. This variant is reported in 0.0070% of alleles in individuals of European (Non-Finnish) descent in gnomAD. At this time, the clinical significance of this variant is uncertain due to the absence of conclusive functional and genetic evidence.

NM_001366722.1(GRIP1):c.2820G>T (p.Glu940Asp)

Gene: GRIP1 (glutamate receptor interacting protein 1; minus strand). Cytogenetic location: 12q14.3.
Variant type: single nucleotide variant.
Coding change: c.2820G>T on transcript NM_001366722.1 (MANE Select); coding-DNA position 2820, G replaced by T.
Protein change: p.Glu940Asp; replaces glutamic acid 940 with aspartic acid.
Molecular consequence: missense variant.
Genome position (GRCh38, 1-based): chr12:66,371,886, C>A on the plus strand (G>T on the coding strand, the complement: GRIP1 is on the minus strand). VCF-style: chr12-66371886-C-A. GRCh37 (hg19) VCF-style: chr12-66765666-C-A.
Other names: c.2619G>T, p.Glu873Asp (NM_001178074.2, NM_001379351.1); c.2739G>T, p.Glu913Asp (NM_001366723.1); c.2742G>T, p.Glu914Asp (NM_001366724.1); c.2898G>T, p.Glu966Asp (NM_001379345.1); c.2775G>T, p.Glu925Asp (NM_001379346.1); c.2697G>T, p.Glu899Asp (NM_001379347.1); c.2694G>T, p.Glu898Asp (NM_001379348.1); c.2667G>T, p.Glu889Asp (NM_001379349.1); and 1 more; short protein forms E873D, E898D, E966D, E888D, E889D, E940D, E913D, E914D.
Identifiers: ClinVar variation 2272855 (VCV002272855.4), dbSNP rs768576707, ClinGen allele CA6674010.